The following is an entry in ClinVar:

ClinVar aggregate classification (germline): Uncertain significance (1 of 4 stars; one submission).

Conditions:
Epilepsy, progressive myoclonic, 1B. Also called: PME. Identifiers: Orphanet 308, MedGen C2676254, MONDO:0012904, OMIM 612437.

Submission:

Labcorp Genetics (formerly Invitae), Labcorp
Classification: Uncertain significance for Epilepsy, progressive myoclonic, 1B. Last evaluated: 2023-10-29. Review status: criteria provided, single submitter. Criteria: Invitae Variant Classification Sherloc (09022015). Collection method: clinical testing. Allele origin: germline.
Comment: This sequence change replaces glycine, which is neutral and non-polar, with glutamic acid, which is acidic and polar, at codon 64 of the PRICKLE1 protein (p.Gly64Glu). This variant is not present in population databases (gnomAD no frequency). This variant has not been reported in the literature in individuals affected with PRICKLE1-related conditions. Advanced modeling of protein sequence and biophysical properties (such as structural, functional, and spatial information, amino acid conservation, physicochemical variation, residue mobility, and thermodynamic stability) performed at Invitae indicates that this missense variant is expected to disrupt PRICKLE1 protein function with a positive predictive value of 80%. In summary, the available evidence is currently insufficient to determine the role of this variant in disease. Therefore, it has been classified as a Variant of Uncertain Significance.

NM_153026.3(PRICKLE1):c.191G>A (p.Gly64Glu)

Gene: PRICKLE1 (prickle planar cell polarity protein 1; minus strand). Cytogenetic location: 12q12.
Variant type: single nucleotide variant.
Coding change: c.191G>A on transcript NM_153026.3 (MANE Select); coding-DNA position 191, G replaced by A.
Protein change: p.Gly64Glu; replaces glycine 64 with glutamic acid.
Molecular consequence: missense variant.
Genome position (GRCh38, 1-based): chr12:42,470,301, C>T on the plus strand (G>A on the coding strand, the complement: PRICKLE1 is on the minus strand). VCF-style: chr12-42470301-C-T. GRCh37 (hg19) VCF-style: chr12-42864103-C-T.
Other names: c.191G>A, p.Gly64Glu (NM_001144883.2, NM_001144881.2, NM_001144882.2); short protein forms G64E.
Identifiers: ClinVar variation 2772625 (VCV002772625.3), dbSNP rs2503468296, ClinGen allele CA384444549.